The following is an entry in ClinVar:

NM_001083926.2(ASRGL1):c.247G>A (p.Asp83Asn)

Gene: ASRGL1 (asparaginase and isoaspartyl peptidase 1; plus strand). Cytogenetic location: 11q12.3.
Variant type: single nucleotide variant.
Coding change: c.247G>A on transcript NM_001083926.2 (MANE Select); coding-DNA position 247, G replaced by A.
Protein change: p.Asp83Asn; replaces aspartic acid 83 with asparagine.
Molecular consequence: missense variant.
Genome position (GRCh38, 1-based): chr11:62,356,381, G>A. VCF-style: chr11-62356381-G-A. GRCh37 (hg19) VCF-style: chr11-62123853-G-A.
Other names: c.247G>A, p.Asp83Asn (NM_025080.4); short protein forms D83N.
Identifiers: ClinVar variation 2869718 (VCV002869718.3), dbSNP rs150459367, ClinGen allele CA6043134.

ClinVar aggregate classification (germline): Uncertain significance (1 of 4 stars; one submission).

Allele frequency attached by ClinVar (database versions not stated): gnomAD exomes below 0.00001; ExAC 0.00002; TOPMed 0.00003; ESP Exome Variant Server 0.00008.
gnomAD v4.1: 2 of 1,614,186 alleles (0.00012%); highest among the groups gnomAD compares: Non-Finnish European, 0.00017%; no homozygotes.

Submission:

Labcorp Genetics (formerly Invitae), Labcorp
Classification: Uncertain significance. Last evaluated: 2023-03-08. Review status: criteria provided, single submitter. Criteria: Invitae Variant Classification Sherloc (09022015). Collection method: clinical testing. Allele origin: germline.
Comment: Algorithms developed to predict the effect of missense changes on protein structure and function output the following: SIFT: "Not Available"; PolyPhen-2: "Benign"; Align-GVGD: "Not Available". The asparagine amino acid residue is found in multiple mammalian species, which suggests that this missense change does not adversely affect protein function. This variant has not been reported in the literature in individuals affected with ASRGL1-related conditions. This variant is present in population databases (rs150459367, gnomAD 0.006%). This sequence change replaces aspartic acid, which is acidic and polar, with asparagine, which is neutral and polar, at codon 83 of the ASRGL1 protein (p.Asp83Asn). In summary, the available evidence is currently insufficient to determine the role of this variant in disease. Therefore, it has been classified as a Variant of Uncertain Significance.